The following is an entry in ClinVar:

ClinVar aggregate classification (germline): Likely benign. Review status: criteria provided, multiple submitters, no conflicts (2 of 4 stars). 2 submissions from 2 submitters: Likely benign (2). Last evaluated 2025-03-31.

Conditions:
CNGB3-related disorder. Also called: CNGB3-related condition; CNGB3-related disorders. Identifiers: MedGen CN239340.

Allele frequency attached by ClinVar (database versions not stated): gnomAD exomes below 0.00001; gnomAD 0.00001; TOPMed 0.00001; ESP Exome Variant Server 0.00015.
gnomAD v4.1: 42 of 1,612,754 alleles (0.0026%); highest among the groups gnomAD compares: Non-Finnish European, 0.0033%; no homozygotes.

Submissions (2):

Labcorp Genetics (formerly Invitae), Labcorp
Classification: Likely benign. Last evaluated: 2025-03-31. Review status: criteria provided, single submitter. Criteria: Invitae Variant Classification Sherloc (09022015). Collection method: clinical testing. Allele origin: germline.

PreventionGenetics, part of Exact Sciences
Classification: Likely benign for CNGB3-related condition. Last evaluated: 2024-10-14. Review status: criteria provided, single submitter. Criteria: ACMG Guidelines, 2015. Collection method: clinical testing. Allele origin: germline.
Comment: This variant is classified as likely benign based on ACMG/AMP sequence variant interpretation guidelines (Richards et al. 2015 PMID: 25741868, with internal and published modifications).

NM_019098.5(CNGB3):c.1320+10G>A

Gene: CNGB3 (cyclic nucleotide gated channel subunit beta 3; minus strand). Cytogenetic location: 8q21.3.
Variant type: single nucleotide variant.
Coding change: c.1320+10G>A on transcript NM_019098.5 (MANE Select); 10 bases into the intron after coding-DNA position 1320, G replaced by A.
Molecular consequence: intron variant.
Genome position (GRCh38, 1-based): chr8:86,632,742, C>T on the plus strand (G>A on the coding strand, the complement: CNGB3 is on the minus strand). VCF-style: chr8-86632742-C-T. GRCh37 (hg19) VCF-style: chr8-87644970-C-T.
Identifiers: ClinVar variation 755140 (VCV000755140.11), dbSNP rs374379465, ClinGen allele CA180340691.